The following is an entry in ClinVar:

NM_000069.3(CACNA1S):c.4715_4722del (p.Arg1572fs)

Gene: CACNA1S (calcium voltage-gated channel subunit alpha1 S; minus strand). Cytogenetic location: 1q32.1.
Variant type: Deletion.
Coding change: c.4715_4722del on transcript NM_000069.3 (MANE Select); coding-DNA positions 4715 to 4722, 8 bases deleted (GCACGGTC; older notation c.4715_4722delGCACGGTC).
Protein change: p.Arg1572fs; shifts the reading frame from arginine 1572.
Molecular consequence: frameshift variant.
Genome position (GRCh38, 1-based): chr1:201,044,403-201,044,410, GACCGTGC deleted on the plus strand (GCACGGTC on the coding strand, the reverse complement: CACNA1S is on the minus strand); deleting any 8 consecutive bases within chr1:201,044,403-201,044,413 gives the same sequence; the c. name uses the placement nearest the transcript's 3' end. VCF-style (leftmost placement, unchanged base first): chr1-201044402-AGACCGTGC-A. GRCh37 (hg19) VCF-style: chr1-201013530-AGACCGTGC-A.
Other names: short protein forms R1572fs.
Identifiers: ClinVar variation 3074099 (VCV003074099.1), dbSNP rs2464415853, ClinGen allele CA2573976649.

ClinVar aggregate classification (germline): Uncertain significance (1 of 4 stars; one submission).

Conditions:
Malignant hyperthermia, susceptibility to, 5 (MHS5). Also called: CACNA1S-Related Malignant Hyperthermia Susceptibility. Identifiers: Orphanet 423, MedGen C1866077, MONDO:0011163, OMIM 601887.

Submission:

All of Us Research Program, National Institutes of Health
Classification: Uncertain significance for Malignant hyperthermia, susceptibility to, 5. Last evaluated: 2023-10-23. Review status: criteria provided, single submitter. Criteria: ACMG Guidelines, 2015. Collection method: clinical testing. Allele origin: germline. Inheritance: Autosomal dominant inheritance. Observed: 1 variant allele, 1 heterozygote.
Comment: This variant deletes 8 nucleotides in exon 39 of the CACNA1S gene, creating a frameshift and premature translation stop signal. This variant is expected to result in an absent or non-functional protein product. To our knowledge, this variant has not been reported in individuals affected with CACNA1S-related disorders in the literature. This variant has not been identified in the general population by the Genome Aggregation Database (gnomAD). Loss of CACNA1S function due to truncation variants is not an established disease mechanism for autosomal dominant malignant hyperthermia. Due to insufficient evidence, this variant is classified as a Variant of Uncertain Significance for autosomal dominant malignant hyperthermia.

This study involves interpretation of variants in research participants for the purpose of population health screening. Participant phenotype was not available at the time of variant classification. Additional details can be found in publication PMID: 35346344, PMCID: PMC8962531